The following is an entry in ClinVar:

NM_000443.4(ABCB4):c.1231-70A>G

Gene: ABCB4 (ATP binding cassette subfamily B member 4; minus strand). Cytogenetic location: 7q21.12.
Variant type: single nucleotide variant.
Coding change: c.1231-70A>G on transcript NM_000443.4 (MANE Select); 70 bases into the intron before coding-DNA position 1231, A replaced by G.
Molecular consequence: intron variant.
Genome position (GRCh38, 1-based): chr7:87,443,514, T>C on the plus strand (A>G on the coding strand, the complement: ABCB4 is on the minus strand). VCF-style: chr7-87443514-T-C. GRCh37 (hg19) VCF-style: chr7-87072830-T-C.
Other names: c.1231-70A>G (NM_018850.3, NM_018849.3).
Identifiers: ClinVar variation 1298150 (VCV001298150.4), dbSNP rs45622746, ClinGen allele CA162092767.

ClinVar aggregate classification (germline): Benign. Review status: criteria provided, multiple submitters, no conflicts (2 of 4 stars). 3 submissions from 3 submitters: Benign (3). Last evaluated 2026-04-14.

Conditions:
Low phospholipid associated cholelithiasis (GBD1). Also called: Gallstone cholecystitis; Gallbladder disease 1. Identifiers: Orphanet 69663, MedGen C2609268, MONDO:0010939, OMIM 600803.
Familial intrahepatic cholestasis. Identifiers: Orphanet 284385, MedGen CN296401, MONDO:0017290.

Allele frequency attached by ClinVar (database versions not stated): gnomAD exomes 0.00185; gnomAD 0.01845 and 0.01975; 1000 Genomes Project 30x 0.01858; 1000 Genomes Project 0.01877; TOPMed 0.01926.

Submissions (3):

Genomenon, Inc
Classification: Benign for Familial intrahepatic cholestasis; Low phospholipid associated cholelithiasis. Last evaluated: 2026-04-14. Review status: criteria provided, single submitter. Criteria: Genomenon Sequence Variant Interpretation Standards - Updated. Collection method: curation. Allele origin: germline. Affected: no.
Comment: ABCB4 c.1231-70A>G is an intronic variant located in intron 11. This variant is present at high allele frequency in population databases. We classify ABCB4 c.1231-70A>G as a benign variant.

GeneDx
Classification: Benign. Last evaluated: 2021-05-10. Review status: criteria provided, single submitter. Criteria: GeneDx Variant Classification Process June 2021. Collection method: clinical testing. Allele origin: germline. Affected: yes.

Breakthrough Genomics
Classification: Benign. Review status: criteria provided, single submitter. Criteria: ACMG Guidelines, 2015. Collection method: not provided. Allele origin: germline. Inheritance: Autosomal recessive inheritance. Affected: yes.